The following is an entry in ClinVar:

ClinVar aggregate classification (germline): Uncertain significance (1 of 4 stars; one submission).

Conditions:
Developmental and epileptic encephalopathy, 30 (DEE30). Also called: Epileptic encephalopathy, early infantile, 30. Identifiers: MedGen C4225360, MONDO:0014595, OMIM 616341.

Submission:

Labcorp Genetics (formerly Invitae), Labcorp
Classification: Uncertain significance for Developmental and epileptic encephalopathy, 30. Last evaluated: 2024-01-12. Review status: criteria provided, single submitter. Criteria: Invitae Variant Classification Sherloc (09022015). Collection method: clinical testing. Allele origin: unknown.
Comment: A copy number gain of the genomic region encompassing the full coding sequence of the SIK1 gene has been identified. The boundaries of this event are unknown as they extend beyond the assayed region for this gene and therefore may encompass additional genes. As the precise location of this event is unknown, it may be in tandem or it may be located elsewhere in the genome. This variant has not been reported in the literature in individuals affected with SIK1-related conditions. Experimental studies and prediction algorithms are not available or were not evaluated, and the functional significance of this variant is currently unknown. In summary, the available evidence is currently insufficient to determine the role of this variant in disease. Therefore, it has been classified as a Variant of Uncertain Significance.

NC_000021.8:g.(?_44836622)_(44846058_?)dup

Gene: SIK1 (salt inducible kinase 1; minus strand). Cytogenetic location: 21q22.3.
Variant type: Duplication.
Identifiers: ClinVar variation 3248163 (VCV003248163.1).